The following is an entry in ClinVar:

NM_001330574.2(ZNF711):c.-286+4A>T

Gene: ZNF711 (zinc finger protein 711; plus strand). Cytogenetic location: Xq21.1.
Variant type: single nucleotide variant.
Coding change: c.-286+4A>T on transcript NM_001330574.2 (MANE Select); 4 bases into the intron after 286 bases upstream of the start codon, A replaced by T.
Molecular consequence: intron variant.
Genome position (GRCh38, 1-based): chrX:85,246,026, A>T. VCF-style: chrX-85246026-A-T. GRCh37 (hg19) VCF-style: chrX-84501032-A-T.
Other names: c.-644+4A>T (NM_001375433.1, NM_001375435.1); c.-286+4A>T (NM_001375436.1); c.-281+4A>T (NM_001375432.1, NM_001375437.1); c.-170+4A>T (NM_001375434.1); c.-27+4A>T (NM_021998.5); c.-26-1521A>T (NM_001375431.1).
Identifiers: ClinVar variation 4755775 (VCV004755775.1).
Genomic context (GRCh38, chrX:85,246,026, plus strand): 5'-TGCAGATTTTACTTTATGTGAGAAAATCTACAATTTCTTCGAGACACTCATATAAAGGTG[A>T]CTAACAAATTACTTATTGTTTTATCTTATTTAACAGTTAAATAAAATTAAGTTTTTAAAA-3'

ClinVar aggregate classification (germline): Uncertain significance (1 of 4 stars; one submission).

Submission:

GeneDx
Classification: Uncertain significance. Last evaluated: 2025-08-08. Review status: criteria provided, single submitter. Criteria: GeneDx Variant Classification Process June 2021. Collection method: clinical testing. Allele origin: germline. Affected: yes.
Comment: In silico analysis is inconclusive as to whether the variant alters gene splicing. In the absence of RNA/functional studies, the actual effect of this sequence change is unknown.; Has not been previously published as pathogenic or benign to our knowledge; No data available from control populations to assess the frequency of this variant